The following is an entry in ClinVar:

NM_024675.4(PALB2):c.1252A>G (p.Asn418Asp)

Gene: PALB2 (partner and localizer of BRCA2; minus strand). Cytogenetic location: 16p12.2.
Variant type: single nucleotide variant.
Coding change: c.1252A>G on transcript NM_024675.4 (MANE Select); coding-DNA position 1252, A replaced by G.
Protein change: p.Asn418Asp; replaces asparagine 418 with aspartic acid.
Molecular consequence: missense variant.
Genome position (GRCh38, 1-based): chr16:23,635,294, T>C on the plus strand (A>G on the coding strand, the complement: PALB2 is on the minus strand). VCF-style: chr16-23635294-T-C. GRCh37 (hg19) VCF-style: chr16-23646615-T-C.
Other names: short protein forms N418D.
Identifiers: ClinVar variation 186426 (VCV000186426.27), dbSNP rs786202943, ClinGen allele CA194782.
Genomic context (GRCh38, chr16:23,635,294, plus strand): 5'-TTTTCTTGACATCCAAATGACTCTGAATGACAGCCTCCACGGCTACTTTCCTCTGGCAAT[T>C]GGACATGCTTCGTGTTGTTCTAACATAATATTCTGCAGGAAACAGAAGGCCTTCAGGCAC-3'
Protein context (NP_078951.2, residues 408-428): YYVRTTRSMS[Asn418Asp]CQRKVAVEAV

ClinVar aggregate classification (germline): Conflicting classifications of pathogenicity. Review status: criteria provided, conflicting classifications (1 of 4 stars). 7 submissions from 7 submitters: Uncertain significance (6); Likely benign (1). Last evaluated 2026-01-19.

Conditions:
Fanconi anemia complementation group N. Also called: PALB2-Related Fanconi Anemia. Identifiers: Orphanet 84, MedGen C1835817, MONDO:0012565, OMIM 610832. Disease mechanism: loss of function.
Pancreatic cancer, susceptibility to, 3. Identifiers: Orphanet 1333, MedGen C3150547, MONDO:0013236, OMIM 613348.
Breast-ovarian cancer, familial, susceptibility to, 5 (BROVCA5). Identifiers: MedGen C5830615, MONDO:0957530, OMIM 620442.
Hereditary cancer-predisposing syndrome. Also called: Hereditary Cancer Syndrome; Neoplastic Syndromes, Hereditary; Tumor predisposition; Hereditary neoplastic syndrome. Identifiers: Orphanet 140162, MedGen C0027672, MeSH D009386, MONDO:0015356.
Familial cancer of breast. Also called: BREAST CANCER, FAMILIAL; Hereditary breast cancer; hereditary breast carcinoma. Identifiers: Orphanet 227535, MedGen C0346153, MONDO:0016419, OMIM 114480. Disease mechanism: loss of function.

Allele frequency attached by ClinVar (database versions not stated): gnomAD exomes below 0.00001; TOPMed 0.00001.

Submissions (7):

Labcorp Genetics (formerly Invitae), Labcorp
Classification: Uncertain significance for Familial cancer of breast. Last evaluated: 2026-01-19. Review status: criteria provided, single submitter. Criteria: Invitae Variant Classification Sherloc (09022015). Collection method: clinical testing. Allele origin: germline.
Comment: This sequence change replaces asparagine, which is neutral and polar, with aspartic acid, which is acidic and polar, at codon 418 of the PALB2 protein (p.Asn418Asp). This variant is not present in population databases (gnomAD no frequency). This missense change has been observed in individual(s) with breast and/or ovarian cancer (PMID: 35264596, 35451682). ClinVar contains an entry for this variant (Variation ID: 186426). Invitae Evidence Modeling of protein sequence and biophysical properties (such as structural, functional, and spatial information, amino acid conservation, physicochemical variation, residue mobility, and thermodynamic stability) indicates that this missense variant is not expected to disrupt PALB2 protein function with a negative predictive value of 80%. In summary, the available evidence is currently insufficient to determine the role of this variant in disease. Therefore, it has been classified as a Variant of Uncertain Significance.

Color Diagnostics, LLC DBA Color Health
Classification: Uncertain significance for Hereditary cancer-predisposing syndrome. Last evaluated: 2025-12-10. Review status: criteria provided, single submitter. Criteria: ACMG Guidelines, 2015. Collection method: clinical testing. Allele origin: germline.
Comment: This missense variant replaces asparagine with aspartic acid at codon 418 of the PALB2 protein. Computational prediction suggests that this variant may not impact protein structure and function. This is a missense variant in a gene for which primarily truncating variants are known to cause disease. To our knowledge, functional studies have not been reported for this variant. This variant has been reported in an individual affected with breast cancer (PMID: 35264596), and it also has been detected in a breast cancer case-control meta-analysis in 1/60466 cases and absent in 53461 unaffected individuals (PMID: 33471991LOVD DB-ID PALB2_011057). This variant has been identified in 2/1614166 chromosomes in the general population by the Genome Aggregation Database (gnomAD). The available evidence is insufficient to determine the role of this variant in disease conclusively. Therefore, this variant is classified as a Variant of Uncertain Significance.

GeneDx
Classification: Uncertain significance. Last evaluated: 2024-12-26. Review status: criteria provided, single submitter. Criteria: GeneDx Variant Classification Process June 2021. Collection method: clinical testing. Allele origin: germline. Affected: yes.
Comment: Not observed at significant frequency in large population cohorts (gnomAD); In silico analysis indicates that this missense variant does not alter protein structure/function; This variant is associated with the following publications: (PMID: 30287823, 22193777, 35264596, 33471991, 35451682)

Fulgent Genetics
Classification: Uncertain significance for Fanconi anemia complementation group N; Pancreatic cancer, susceptibility to, 3; Breast-ovarian cancer, familial, susceptibility to, 5. Last evaluated: 2024-06-08. Review status: criteria provided, single submitter. Criteria: ACMG Guidelines, 2015. Collection method: clinical testing. Allele origin: germline.

Baylor Genetics
Classification: Uncertain significance for Familial cancer of breast. Last evaluated: 2024-02-05. Review status: criteria provided, single submitter. Criteria: ACMG Guidelines, 2015. Collection method: clinical testing. Allele origin: unknown.

Ambry Genetics
Classification: Likely benign for Hereditary cancer-predisposing syndrome. Last evaluated: 2024-01-22. Review status: criteria provided, single submitter. Criteria: Ambry Variant Classification Scheme 2023. Collection method: clinical testing. Allele origin: germline.

Mendelics
Classification: Uncertain significance for Familial cancer of breast. Last evaluated: 2019-05-28. Review status: criteria provided, single submitter. Criteria: Mendelics Assertion Criteria 2017. Collection method: clinical testing. Allele origin: unknown.

Literature cited by the submitters: PubMed 35264596 (cited by 3 submitters); PubMed 35451682 (cited by Labcorp Genetics (formerly Invitae), Labcorp and Ambry Genetics); PubMed 33471991 (cited by Color Diagnostics, LLC DBA Color Health).